The following is an entry in ClinVar:

NM_001292063.2(OTOG):c.6536T>C (p.Val2179Ala)

Gene: OTOG (otogelin; plus strand). Cytogenetic location: 11p15.1.
Variant type: single nucleotide variant.
Coding change: c.6536T>C on transcript NM_001292063.2 (MANE Select); coding-DNA position 6536, T replaced by C.
Protein change: p.Val2179Ala; replaces valine 2179 with alanine.
Molecular consequence: missense variant.
Genome position (GRCh38, 1-based): chr11:17,629,140, T>C. VCF-style: chr11-17629140-T-C. GRCh37 (hg19) VCF-style: chr11-17650687-T-C.
Other names: c.6572T>C (NM_001277269.1); c.6572T>C, p.Val2191Ala (NM_001277269.2); short protein forms V2179A, V2191A.
Identifiers: ClinVar variation 1569862 (VCV001569862.32), dbSNP rs770039471, ClinGen allele CA5906046.
Genomic context (GRCh38, chr11:17,629,140, plus strand): 5'-ATGGATGAATGAATGGATGGACAAGCTGTGCTCACACTGAATTCCCTCCCAAGGTGACTG[T>C]GGACTTGCAGCCTGTGTGGCCACCGGTGAGCAGGTATGGATTCAGAATTGAGGACACAGG-3'
Protein context (NP_001278992.1, residues 2169-2189): TIDRFNRKVT[Val2179Ala]DLQPVWPPVS

ClinVar aggregate classification (germline): Conflicting classifications of pathogenicity. Review status: criteria provided, conflicting classifications (1 of 4 stars). 4 submissions from 4 submitters: Uncertain significance (1); Likely benign (2). 1 of the submissions does not count toward it. Last evaluated 2025-11-03.

Conditions:
OTOG-related disorder. Also called: OTOG-related condition.

Allele frequency attached by ClinVar (database versions not stated): gnomAD 0.00027 and 0.00029; TOPMed 0.00031; gnomAD exomes 0.00036 and 0.00047; ExAC 0.00059.
gnomAD v4.1: 717 of 1,550,220 alleles (0.046%); highest among the groups gnomAD compares: Middle Eastern, 0.13%; no homozygotes.

Submissions (4):

Labcorp Genetics (formerly Invitae), Labcorp
Classification: Likely benign. Last evaluated: 2025-11-03. Review status: criteria provided, single submitter. Criteria: Invitae Variant Classification Sherloc (09022015). Collection method: clinical testing. Allele origin: germline.

GeneDx
Classification: Uncertain significance. Last evaluated: 2025-09-14. Review status: criteria provided, single submitter. Criteria: GeneDx Variant Classification Process June 2021. Collection method: clinical testing. Allele origin: germline. Affected: yes.
Comment: In silico analysis supports that this missense variant has a deleterious effect on protein structure/function; Has not been previously published as pathogenic or benign to our knowledge; This variant is associated with the following publications: (PMID: 26803811)

CeGaT Center for Human Genetics Tuebingen
Classification: Likely benign. Last evaluated: 2022-05-01. Review status: criteria provided, single submitter. Criteria: CeGaT Center For Human Genetics Tuebingen Variant Classification Criteria Version 2. Collection method: clinical testing. Allele origin: germline. Affected: yes. Observed: 1 variant allele.
Comment: OTOG: BP4

PreventionGenetics, part of Exact Sciences
Classification: Likely benign for OTOG-related condition. Last evaluated: 2024-03-20. Review status: no assertion criteria provided. Collection method: clinical testing. Allele origin: germline. Not counted in ClinVar's aggregate classification.
Comment: This variant is classified as likely benign based on ACMG/AMP sequence variant interpretation guidelines (Richards et al. 2015 PMID: 25741868, with internal and published modifications).